The following is an entry in ClinVar:

NM_000545.8(HNF1A):c.1655A>G (p.Glu552Gly)

Gene: HNF1A (HNF1 homeobox A; plus strand). Cytogenetic location: 12q24.31.
Variant type: single nucleotide variant.
Coding change: c.1655A>G on transcript NM_000545.8 (MANE Select); coding-DNA position 1655, A replaced by G.
Protein change: p.Glu552Gly; replaces glutamic acid 552 with glycine.
Molecular consequence: missense variant.
Genome position (GRCh38, 1-based): chr12:120,999,514, A>G. VCF-style: chr12-120999514-A-G. GRCh37 (hg19) VCF-style: chr12-121437317-A-G.
Other names: c.1676A>G, p.Glu559Gly (NM_001306179.2); c.1463A>G, p.Glu488Gly (NM_001406915.1); short protein forms E488G, E559G, E552G.
Identifiers: ClinVar variation 2034122 (VCV002034122.4), dbSNP rs1283884772, ClinGen allele CA386972829.

ClinVar aggregate classification (germline): Uncertain significance (1 of 4 stars; one submission).

Allele frequency attached by ClinVar (database versions not stated): gnomAD exomes below 0.00001.

Submission:

Labcorp Genetics (formerly Invitae), Labcorp
Classification: Uncertain significance. Last evaluated: 2025-03-31. Review status: criteria provided, single submitter. Criteria: Invitae Variant Classification Sherloc (09022015). Collection method: clinical testing. Allele origin: germline.
Comment: This sequence change replaces glutamic acid, which is acidic and polar, with glycine, which is neutral and non-polar, at codon 552 of the HNF1A protein (p.Glu552Gly). This variant is present in population databases (no rsID available, gnomAD 0.003%). This variant has not been reported in the literature in individuals affected with HNF1A-related conditions. ClinVar contains an entry for this variant (Variation ID: 2034122). Invitae Evidence Modeling of protein sequence and biophysical properties (such as structural, functional, and spatial information, amino acid conservation, physicochemical variation, residue mobility, and thermodynamic stability) indicates that this missense variant is not expected to disrupt HNF1A protein function with a negative predictive value of 95%. In summary, the available evidence is currently insufficient to determine the role of this variant in disease. Therefore, it has been classified as a Variant of Uncertain Significance.